The following is an entry in ClinVar:

ClinVar aggregate classification (germline): Pathogenic (1 of 4 stars; one submission).

Conditions:
Primary ciliary dyskinesia. Also called: Ciliary dyskinesia. Identifiers: Orphanet 244, MedGen C0008780, MONDO:0016575, HP:0012265.

Submission:

Labcorp Genetics (formerly Invitae), Labcorp
Classification: Pathogenic for Primary ciliary dyskinesia. Last evaluated: 2023-01-16. Review status: criteria provided, single submitter. Criteria: Invitae Variant Classification Sherloc (09022015). Collection method: clinical testing. Allele origin: germline.
Comment: For these reasons, this variant has been classified as Pathogenic. This variant has not been reported in the literature in individuals affected with DNAH11-related conditions. This variant is not present in population databases (gnomAD no frequency). This sequence change creates a premature translational stop signal (p.Gln1645*) in the DNAH11 gene. It is expected to result in an absent or disrupted protein product. Loss-of-function variants in DNAH11 are known to be pathogenic (PMID: 18022865, 20513915, 22184204).

Literature cited by the submitters: PubMed 18022865; PubMed 20513915; PubMed 22184204.

NM_001277115.2(DNAH11):c.4933C>T (p.Gln1645Ter)

Gene: DNAH11 (dynein axonemal heavy chain 11; plus strand). Cytogenetic location: 7p15.3.
Variant type: single nucleotide variant.
Coding change: c.4933C>T on transcript NM_001277115.2 (MANE Select); coding-DNA position 4933, C replaced by T.
Protein change: p.Gln1645Ter; replaces glutamine 1645 with a stop codon.
Molecular consequence: nonsense.
Genome position (GRCh38, 1-based): chr7:21,639,054, C>T. VCF-style: chr7-21639054-C-T. GRCh37 (hg19) VCF-style: chr7-21678672-C-T.
Other names: c.4948C>T, p.Gln1650Ter (NM_003777.3); short protein forms Q1650*, Q1645*.
Identifiers: ClinVar variation 2829081 (VCV002829081.3), dbSNP rs2534781832, ClinGen allele CA366934869.